The following is an entry in ClinVar:

NM_206933.4(USH2A):c.12440del (p.Pro4147fs)

Gene: USH2A (usherin; minus strand). Cytogenetic location: 1q41.
Variant type: Deletion.
Coding change: c.12440del on transcript NM_206933.4 (MANE Select); coding-DNA position 12440, one base deleted (C; older notation c.12440delC).
Protein change: p.Pro4147fs; shifts the reading frame from proline 4147.
Molecular consequence: frameshift variant.
Genome position (GRCh38, 1-based): chr1:215,675,471, G deleted on the plus strand (C on the coding strand, the reverse complement: USH2A is on the minus strand); the first of 2 consecutive G bases (chr1:215,675,471-215,675,472); deleting either gives the same sequence. VCF-style (leftmost placement, unchanged base first): chr1-215675470-AG-A. GRCh37 (hg19) VCF-style: chr1-215848812-AG-A.
Other names: short protein forms P4147fs.
Identifiers: ClinVar variation 5004447 (VCV005004447.1).
Genomic context (GRCh38, chr1:215,675,470, plus strand): 5'-CTTCACAGAGTGGACAGTAGGAGCCAGCTGAGAGTCTGGAGGGGCTTCATCTGTCCACAG[AG>A]GCTGAGGCGCCGAGTGTGCACAACCTGCTCTGGTGCAGGCCTCCAGGGTCAGTGTGTAGA-3'

ClinVar aggregate classification (germline): Pathogenic (1 of 4 stars; one submission).

Conditions:
USH2A-related disorder. Also called: USH2A-related condition; USH2A-related disorders. Identifiers: MedGen CN239332.

Submission:

Myriad Genetics, Inc.
Classification: Pathogenic for USH2A-related disorder. Last evaluated: 2026-02-12. Review status: criteria provided, single submitter. Criteria: Myriad Autosomal Dominant, Autosomal Recessive and X-Linked Classification Criteria (2023). Collection method: clinical testing. Allele origin: unknown.
Comment: NM_206933.2(USH2A):c.12440delC(P4147Lfs*20) is a frameshift variant classified as pathogenic in the context of USH2A-related disorders. P4147Lfs*20 has not been observed in cases with relevant disease. Relevant functional assessments of this variant are not available in the literature. P4147Lfs*20 has not been observed in referenced population frequency databases. In summary, NM_206933.2(USH2A):c.12440delC(P4147Lfs*20) is a frameshift variant in a gene where loss of function is a known mechanism of disease and is predicted to disrupt protein function. Please note: this variant was assessed in the context of healthy population screening.